The following is an entry in ClinVar:

NM_001122769.3(LCA5):c.38A>G (p.Glu13Gly)

Gene: LCA5 (lebercilin LCA5; minus strand). Cytogenetic location: 6q14.1.
Variant type: single nucleotide variant.
Coding change: c.38A>G on transcript NM_001122769.3 (MANE Select); coding-DNA position 38, A replaced by G.
Protein change: p.Glu13Gly; replaces glutamic acid 13 with glycine.
Molecular consequence: missense variant.
Genome position (GRCh38, 1-based): chr6:79,518,857, T>C on the plus strand (A>G on the coding strand, the complement: LCA5 is on the minus strand). VCF-style: chr6-79518857-T-C. GRCh37 (hg19) VCF-style: chr6-80228574-T-C.
Other names: c.38A>G, p.Glu13Gly (NM_181714.4); short protein forms E13G.
Identifiers: ClinVar variation 811098 (VCV000811098.16), dbSNP rs186642323, ClinGen allele CA3901228.

ClinVar aggregate classification (germline): Conflicting classifications of pathogenicity. Review status: criteria provided, conflicting classifications (1 of 4 stars). 5 submissions from 5 submitters: Uncertain significance (3); Likely benign (1). 1 of the submissions does not count toward it. Last evaluated 2026-04-06.

Conditions:
Leber congenital amaurosis 5 (LCA5). Also called: Amaurosis congenita of Leber, type 5. Identifiers: Orphanet 65, MedGen C1858301, MONDO:0011473, OMIM 604537.
Inborn genetic diseases. Identifiers: MedGen C0950123, MeSH D030342.

Allele frequency attached by ClinVar (database versions not stated): gnomAD exomes 0.00003 and 0.00008; ExAC 0.00008; 1000 Genomes Project 30x 0.00016; 1000 Genomes Project 0.00020; gnomAD 0.00024 and 0.00025; TOPMed 0.00034.
gnomAD v4.1: 91 of 1,614,166 alleles (0.0056%); highest among the groups gnomAD compares: African/African-American, 0.093%; 1 homozygote.

Submissions (5):

Ambry Genetics
Classification: Uncertain significance for Inborn genetic diseases. Last evaluated: 2026-04-06. Review status: criteria provided, single submitter. Criteria: Ambry Variant Classification Scheme 2023. Collection method: clinical testing. Allele origin: germline.

Labcorp Genetics (formerly Invitae), Labcorp
Classification: Uncertain significance. Last evaluated: 2024-10-29. Review status: criteria provided, single submitter. Criteria: Invitae Variant Classification Sherloc (09022015). Collection method: clinical testing. Allele origin: germline.
Comment: This sequence change replaces glutamic acid, which is acidic and polar, with glycine, which is neutral and non-polar, at codon 13 of the LCA5 protein (p.Glu13Gly). This variant is present in population databases (rs186642323, gnomAD 0.1%). This variant has not been reported in the literature in individuals affected with LCA5-related conditions. ClinVar contains an entry for this variant (Variation ID: 811098). An algorithm developed to predict the effect of missense changes on protein structure and function (PolyPhen-2) suggests that this variant¬†is likely to be tolerated. In summary, the available evidence is currently insufficient to determine the role of this variant in disease. Therefore, it has been classified as a Variant of Uncertain Significance.

Blueprint Genetics
Classification: Likely benign. Last evaluated: 2024-07-02. Review status: criteria provided, single submitter. Criteria: ACMG Guidelines, 2015. Collection method: clinical testing. Allele origin: germline.

ARUP Laboratories, Molecular Genetics and Genomics, ARUP Laboratories
Classification: Uncertain significance for Leber congenital amaurosis 5. Last evaluated: 2018-08-21. Review status: criteria provided, single submitter. Criteria: ARUP Molecular Germline Variant Investigation Process. Collection method: clinical testing. Allele origin: germline.
Comment: The LCA5 c.38A>G; p.Glu13Gly variant (rs186642323), to our knowledge, is not reported in the medical literature or in gene-specific databases. This variant is found in the African population with an overall allele frequency of 0.1% (24/34414 alleles) in the Genome Aggregation Database. The glutamine at codon 13 is moderately conserved and computational analyses (SIFT, PolyPhen-2) predict that this variant is tolerated. Considering available information, the clinical significance of this variant cannot be determined with certainty. Pathogenic LCA5 variants are causative for autosomal recessive Leber Congenital Amaurosis (MIM: 604537).

Natera, Inc.
Classification: Uncertain significance for Leber congenital amaurosis type 5. Last evaluated: 2020-06-08. Review status: no assertion criteria provided. Collection method: clinical testing. Allele origin: germline. Not counted in ClinVar's aggregate classification.